The following is an entry in ClinVar:

ClinVar aggregate classification (germline): Likely pathogenic (1 of 4 stars; one submission).

Submission:

Labcorp Genetics (formerly Invitae), Labcorp
Classification: Likely pathogenic. Last evaluated: 2026-01-19. Review status: criteria provided, single submitter. Criteria: Invitae Variant Classification Sherloc (09022015). Collection method: clinical testing. Allele origin: germline.
Comment: This variant results in the deletion of part of exon 13 (c.4976_4990+30del) of the TNXB gene. It is expected to disrupt RNA splicing. Variants that disrupt the donor or acceptor splice site typically lead to a loss of protein function (PMID: 16199547), and loss-of-function variants in TNXB are known to be pathogenic (PMID: 9288108, 11642233). This variant is present in population databases (no rsID available, gnomAD 0.001%). This variant has not been reported in the literature in individuals affected with TNXB-related conditions. In summary, the currently available evidence indicates that the variant is pathogenic, but additional data are needed to prove that conclusively. Therefore, this variant has been classified as Likely Pathogenic.

Literature cited by the submitters: PubMed 16199547; PubMed 9288108; PubMed 11642233.

NM_001365276.2(TNXB):c.4976_4990+30del

Gene: TNXB (tenascin XB; minus strand). Cytogenetic location: 6p21.33.
Variant type: Deletion.
Coding change: c.4976_4990+30del on transcript NM_001365276.2 (MANE Select); coding-DNA position 4976 through 30 bases into the intron after coding-DNA position 4990, 45 bases deleted.
Molecular consequence: splice donor variant.
Genome position (GRCh38, 1-based): chr6:32,071,960-32,072,004, 45 bases deleted; deleting any 45 consecutive bases within chr6:32,071,960-32,072,007 gives the same sequence; the c. name uses the placement nearest the transcript's 3' end. GRCh37 (hg19): chr6:32,039,740-32,039,784.
Other names: c.4976_4990+30del (NM_019105.8); c.5717_5731+30del (NM_001428335.1).
Identifiers: ClinVar variation 4798784 (VCV004798784.1).
Genomic context (GRCh38, chr6:32,071,959, plus strand): 5'-AGGTGGACAAAGGGAAGACTCAGCAGAGGGAGTGAAGAGAAGGGTGGGAAGGCTGTGGCC[TCAGGCTCAGCTGTGTAGGGGCCCATCTCACCCGTCTTTGCCTCCA>T]CAGAGACTGGGCTGCGTCGTTTCCCATCCTGGATCCCAAAGAGCAGGAACTTGTACTTGC-3'